The following is an entry in ClinVar:

ClinVar aggregate classification (germline): Uncertain significance (1 of 4 stars; one submission).

Conditions:
Developmental and epileptic encephalopathy, 11 (DEE11). Also called: Early infantile epileptic encephalopathy 11. Identifiers: Orphanet 1934, MedGen C3150987, MONDO:0013388, OMIM 613721.
Seizures, benign familial infantile, 3 (BFIS3). Also called: CONVULSIONS, BENIGN FAMILIAL INFANTILE, 3; Familial neonatal seizures. Identifiers: Orphanet 140927, Orphanet 306, MedGen C1843140, MONDO:0011904, OMIM 607745.

Submission:

Labcorp Genetics (formerly Invitae), Labcorp
Classification: Uncertain significance for Seizures, benign familial infantile, 3; Developmental and epileptic encephalopathy, 11. Last evaluated: 2020-06-09. Review status: criteria provided, single submitter. Criteria: Invitae Variant Classification Sherloc (09022015). Collection method: clinical testing. Allele origin: germline.
Comment: In summary, the available evidence is currently insufficient to determine the role of this variant in disease. Therefore, it has been classified as a Variant of Uncertain Significance. Algorithms developed to predict the effect of missense changes on protein structure and function are either unavailable or do not agree on the potential impact of this missense change (SIFT: "Deleterious"; PolyPhen-2: "Benign"; Align-GVGD: "Class C0"). This variant has not been reported in the literature in individuals with SCN2A-related conditions. This variant is not present in population databases (ExAC no frequency). This sequence change replaces methionine with threonine at codon 1241 of the SCN2A protein (p.Met1241Thr). The methionine residue is highly conserved and there is a moderate physicochemical difference between methionine and threonine.

NM_001040142.2(SCN2A):c.3722T>C (p.Met1241Thr)

Gene: SCN2A (sodium voltage-gated channel alpha subunit 2; plus strand). Cytogenetic location: 2q24.3.
Variant type: single nucleotide variant.
Coding change: c.3722T>C on transcript NM_001040142.2 (MANE Select); coding-DNA position 3722, T replaced by C.
Protein change: p.Met1241Thr; replaces methionine 1241 with threonine.
Molecular consequence: missense variant.
Genome position (GRCh38, 1-based): chr2:165,370,172, T>C. VCF-style: chr2-165370172-T-C. GRCh37 (hg19) VCF-style: chr2-166226682-T-C.
Other names: c.3722T>C, p.Met1241Thr (NM_001040143.2, NM_001371246.1, NM_001371247.1 and 1 more transcripts); short protein forms M1241T.
Identifiers: ClinVar variation 1008389 (VCV001008389.9), dbSNP rs1700952405, ClinGen allele CA349027738.